The following is an entry in ClinVar:

NM_198692.3(KRTAP10-11):c.117G>A (p.Pro39=)

Genes: KRTAP10-11 (keratin associated protein 10-11; plus strand), TSPEAR (thrombospondin type laminin G domain and EAR repeats; minus strand). Cytogenetic location: 21q22.3.
Variant type: single nucleotide variant.
Coding change: c.117G>A on transcript NM_198692.3 (MANE Select); coding-DNA position 117, G replaced by A.
Protein change: p.Pro39=; no amino-acid change (proline 39 retained).
Molecular consequence: synonymous variant. On other transcripts: intron variant (2).
Genome position (GRCh38, 1-based): chr21:44,646,575, G>A. VCF-style: chr21-44646575-G-A. GRCh37 (hg19) VCF-style: chr21-46066492-G-A.
Other names: c.82+64858C>T (NM_144991.3); c.-123+43970C>T (NM_001272037.2).
Identifiers: ClinVar variation 3777903 (VCV003777903.7).

ClinVar aggregate classification (germline): Likely benign (1 of 4 stars; one submission).

gnomAD v4.1: 4,278 of 1,612,200 alleles (0.27%); highest among the groups gnomAD compares: Non-Finnish European, 0.29%; 10 homozygotes.

Submission:

CeGaT Center for Human Genetics Tuebingen
Classification: Likely benign. Last evaluated: 2025-03-01. Review status: criteria provided, single submitter. Criteria: CeGaT Center For Human Genetics Tuebingen Variant Classification Criteria Version 2. Collection method: clinical testing. Allele origin: germline. Affected: yes. Observed: 1 variant allele.
Comment: KRTAP10-11: BP4, BP7